The following is an entry in ClinVar:

ClinVar aggregate classification (germline): Uncertain significance (1 of 4 stars; one submission).

Conditions:
Charcot-Marie-Tooth disease type 2R. Also called: CHARCOT-MARIE-TOOTH NEUROPATHY, TYPE 2R; Charcot-Marie-Tooth disease, axonal, type 2R; CHARCOT-MARIE-TOOTH DISEASE, AXONAL, AUTOSOMAL RECESSIVE, TYPE 2R. Identifiers: Orphanet 397968, MedGen C3809655, MONDO:0014208, OMIM 615490.

Allele frequency attached by ClinVar (database versions not stated): TOPMed below 0.00001; ExAC 0.00001; gnomAD 0.00001; gnomAD exomes 0.00001; ESP Exome Variant Server 0.00008.
gnomAD v4.1: 6 of 1,614,098 alleles (0.00037%); highest among the groups gnomAD compares: Non-Finnish European, 0.00051%; no homozygotes.

Submission:

Labcorp Genetics (formerly Invitae), Labcorp
Classification: Uncertain significance for Charcot-Marie-Tooth disease type 2R. Last evaluated: 2023-11-03. Review status: criteria provided, single submitter. Criteria: Invitae Variant Classification Sherloc (09022015). Collection method: clinical testing. Allele origin: germline.
Comment: This sequence change replaces glutamic acid, which is acidic and polar, with glycine, which is neutral and non-polar, at codon 188 of the TRIM2 protein (p.Glu188Gly). This variant is present in population databases (rs373450943, gnomAD 0.002%). This variant has not been reported in the literature in individuals affected with TRIM2-related conditions. An algorithm developed to predict the effect of missense changes on protein structure and function (PolyPhen-2) suggests that this variant is likely to be tolerated. In summary, the available evidence is currently insufficient to determine the role of this variant in disease. Therefore, it has been classified as a Variant of Uncertain Significance.

NM_015271.5(TRIM2):c.644A>G (p.Glu215Gly)

Gene: TRIM2 (tripartite motif containing 2; plus strand). Cytogenetic location: 4q31.3.
Variant type: single nucleotide variant.
Coding change: c.644A>G on transcript NM_015271.5 (MANE Select); coding-DNA position 644, A replaced by G.
Protein change: p.Glu215Gly; replaces glutamic acid 215 with glycine.
Molecular consequence: missense variant. On other transcripts: intron variant (2).
Genome position (GRCh38, 1-based): chr4:153,294,343, A>G. VCF-style: chr4-153294343-A-G. GRCh37 (hg19) VCF-style: chr4-154215495-A-G.
Other names: c.563A>G, p.Glu188Gly (NM_001130067.2, NM_001351056.2, NM_001375512.1 and 5 more transcripts); c.617A>G, p.Glu206Gly (NM_001351054.2); c.614A>G, p.Glu205Gly (NM_001351055.2); c.188A>G, p.Glu63Gly (NM_001351057.2); c.737A>G, p.Glu246Gly (NM_001375488.1); c.734A>G, p.Glu245Gly (NM_001375489.1); c.644A>G, p.Glu215Gly (NM_001375490.1); c.641A>G, p.Glu214Gly (NM_001375491.1); and 3 more; short protein forms E206G, E188G, E205G, E246G, E63G, E102G, E214G, E215G.
Identifiers: ClinVar variation 2702371 (VCV002702371.3), dbSNP rs373450943, ClinGen allele CA3108602.